The following is an entry in ClinVar:

NM_001204424.2(RGS6):c.693+4C>T

Gene: RGS6 (regulator of G protein signaling 6; plus strand). Cytogenetic location: 14q24.2.
Variant type: single nucleotide variant.
Coding change: c.693+4C>T on transcript NM_001204424.2 (MANE Select); 4 bases into the intron after coding-DNA position 693, C replaced by T.
Molecular consequence: intron variant.
Genome position (GRCh38, 1-based): chr14:72,474,703, C>T. VCF-style: chr14-72474703-C-T. GRCh37 (hg19) VCF-style: chr14-72941411-C-T.
Other names: c.693+4C>T (NM_001370270.1, NM_001370289.1, NM_001370282.1 and 28 more transcripts); c.588+4C>T (NM_001204423.2); c.684+13C>T (NM_001370279.1).
Identifiers: ClinVar variation 3017072 (VCV003017072.3), dbSNP rs562667780, ClinGen allele CA262550985.

ClinVar aggregate classification (germline): Uncertain significance (1 of 4 stars; one submission).

Allele frequency attached by ClinVar (database versions not stated): gnomAD 0.00001; gnomAD exomes 0.00002.
gnomAD v4.1: 27 of 1,612,402 alleles (0.0017%); highest among the groups gnomAD compares: East Asian, 0.0022%; no homozygotes.

Submission:

Labcorp Genetics (formerly Invitae), Labcorp
Classification: Uncertain significance. Last evaluated: 2024-09-06. Review status: criteria provided, single submitter. Criteria: Invitae Variant Classification Sherloc (09022015). Collection method: clinical testing. Allele origin: germline.
Comment: This sequence change falls in intron 10 of the RGS6 gene. It does not directly change the encoded amino acid sequence of the RGS6 protein. It affects a nucleotide within the consensus splice site. This variant is present in population databases (rs562667780, gnomAD 0.005%). This variant has not been reported in the literature in individuals affected with RGS6-related conditions. Variants that disrupt the consensus splice site are a relatively common cause of aberrant splicing (PMID: 17576681, 9536098). Algorithms developed to predict the effect of sequence changes on RNA splicing suggest that this variant is not likely to affect RNA splicing. In summary, the available evidence is currently insufficient to determine the role of this variant in disease. Therefore, it has been classified as a Variant of Uncertain Significance.

Literature cited by the submitters: PubMed 17576681; PubMed 9536098.